The following is an entry in ClinVar:

NM_000052.7(ATP7A):c.1337-5A>G

Gene: ATP7A (ATPase copper transporting alpha; plus strand). Cytogenetic location: Xq21.1.
Variant type: single nucleotide variant.
Coding change: c.1337-5A>G on transcript NM_000052.7 (MANE Select); 5 bases into the intron before coding-DNA position 1337, A replaced by G.
Molecular consequence: intron variant.
Genome position (GRCh38, 1-based): chrX:77,998,473, A>G. VCF-style: chrX-77998473-A-G. GRCh37 (hg19) VCF-style: chrX-77253970-A-G.
Other names: c.1337-5A>G (NM_001282224.2, NM_000052.6).
Identifiers: ClinVar variation 1586783 (VCV001586783.11), dbSNP rs371146030, ClinGen allele CA10459037.

ClinVar aggregate classification (germline): Likely benign. Review status: criteria provided, multiple submitters, no conflicts (2 of 4 stars). 3 submissions from 3 submitters: Likely benign (2). 1 of the submissions does not count toward it. Last evaluated 2024-10-08.

Conditions:
Cutis laxa, X-linked (OHS). Also called: EDS IX; Occipital horn syndrome. Identifiers: Orphanet 198, MedGen C0268353, MONDO:0010572, OMIM 304150.
Menkes kinky-hair syndrome (MNK). Also called: Copper transport disease; Menkes Disease; Classic Menkes Disease. Identifiers: Orphanet 565, MedGen C0022716, MONDO:0010651, OMIM 309400.
X-linked distal spinal muscular atrophy type 3. Also called: SPINAL MUSCULAR ATROPHY, DISTAL, X-LINKED RECESSIVE; NEUROPATHY, DISTAL HEREDITARY MOTOR, X-LINKED; NEURONOPATHY, DISTAL HEREDITARY MOTOR, X-LINKED; ATP7A-Related Distal Motor Neuropathy. Identifiers: Orphanet 139557, MedGen C1845359, MONDO:0010338, OMIM 300489.
ATP7A-related disorder. Also called: ATP7A-related condition.

Allele frequency attached by ClinVar (database versions not stated): ExAC 0.00001; gnomAD exomes 0.00001; gnomAD 0.00002; TOPMed 0.00003; ESP Exome Variant Server 0.00009.
gnomAD v4.1: 2 of 1,208,221 alleles (0.00017%); highest among the groups gnomAD compares: African/African-American, 0.0035%; no homozygotes.

Submissions (3):

Blueprint Genetics
Classification: Likely benign. Last evaluated: 2024-10-08. Review status: criteria provided, single submitter. Criteria: ACMG Guidelines, 2015. Collection method: clinical testing. Allele origin: germline.

Labcorp Genetics (formerly Invitae), Labcorp
Classification: Likely benign for X-linked distal spinal muscular atrophy type 3; Cutis laxa, X-linked; Menkes kinky-hair syndrome. Last evaluated: 2023-12-06. Review status: criteria provided, single submitter. Criteria: Invitae Variant Classification Sherloc (09022015). Collection method: clinical testing. Allele origin: germline.

PreventionGenetics, part of Exact Sciences
Classification: Likely benign for ATP7A-related condition. Last evaluated: 2023-01-26. Review status: no assertion criteria provided. Collection method: clinical testing. Allele origin: germline. Not counted in ClinVar's aggregate classification.
Comment: This variant is classified as likely benign based on ACMG/AMP sequence variant interpretation guidelines (Richards et al. 2015 PMID: 25741868, with internal and published modifications).